The following is an entry in ClinVar:

ClinVar aggregate classification (germline): Uncertain significance. Review status: criteria provided, multiple submitters, no conflicts (2 of 4 stars). 2 submissions from 2 submitters: Uncertain significance (2). Last evaluated 2024-11-26.

Conditions:
Inborn genetic diseases. Identifiers: MedGen C0950123, MeSH D030342.

gnomAD v4.1: 4 of 1,612,552 alleles (0.00025%); highest among the groups gnomAD compares: East Asian, 0.0022%; no homozygotes.

Submissions (2):

Ambry Genetics
Classification: Uncertain significance for Inborn genetic diseases. Last evaluated: 2024-11-26. Review status: criteria provided, single submitter. Criteria: Ambry Variant Classification Scheme 2023. Collection method: clinical testing. Allele origin: germline.

Labcorp Genetics (formerly Invitae), Labcorp
Classification: Uncertain significance. Last evaluated: 2024-04-22. Review status: criteria provided, single submitter. Criteria: Invitae Variant Classification Sherloc (09022015). Collection method: clinical testing. Allele origin: germline.
Comment: This sequence change replaces tyrosine, which is neutral and polar, with phenylalanine, which is neutral and non-polar, at codon 1390 of the SNRNP200 protein (p.Tyr1390Phe). This variant is not present in population databases (gnomAD no frequency). This variant has not been reported in the literature in individuals affected with SNRNP200-related conditions. Advanced modeling of protein sequence and biophysical properties (such as structural, functional, and spatial information, amino acid conservation, physicochemical variation, residue mobility, and thermodynamic stability) performed at Invitae indicates that this missense variant is not expected to disrupt SNRNP200 protein function with a negative predictive value of 80%. In summary, the available evidence is currently insufficient to determine the role of this variant in disease. Therefore, it has been classified as a Variant of Uncertain Significance.

NM_014014.5(SNRNP200):c.4169A>T (p.Tyr1390Phe)

Gene: SNRNP200 (small nuclear ribonucleoprotein U5 subunit 200; minus strand). Cytogenetic location: 2q11.2.
Variant type: single nucleotide variant.
Coding change: c.4169A>T on transcript NM_014014.5 (MANE Select); coding-DNA position 4169, A replaced by T.
Protein change: p.Tyr1390Phe; replaces tyrosine 1390 with phenylalanine.
Molecular consequence: missense variant.
Genome position (GRCh38, 1-based): chr2:96,284,581, T>A on the plus strand (A>T on the coding strand, the complement: SNRNP200 is on the minus strand). VCF-style: chr2-96284581-T-A. GRCh37 (hg19) VCF-style: chr2-96950319-T-A.
Other names: short protein forms Y1390F.
Identifiers: ClinVar variation 3446743 (VCV003446743.3).